The following is an entry in ClinVar:

ClinVar aggregate classification (germline): Likely benign (1 of 4 stars; one submission).

gnomAD v4.1: 14 of 1,614,052 alleles (0.00087%); highest among the groups gnomAD compares: Admixed American, 0.0033%; no homozygotes.

Submission:

CeGaT Center for Human Genetics Tuebingen
Classification: Likely benign. Last evaluated: 2024-10-01. Review status: criteria provided, single submitter. Criteria: CeGaT Center For Human Genetics Tuebingen Variant Classification Criteria Version 2. Collection method: clinical testing. Allele origin: germline. Affected: yes. Observed: 1 variant allele.
Comment: DAB1: BP4, BP7

NM_001365792.1(DAB1):c.987C>T (p.Val329=)

Gene: DAB1 (DAB adaptor protein 1; minus strand). Cytogenetic location: 1p32.2.
Variant type: single nucleotide variant.
Coding change: c.987C>T on transcript NM_001365792.1 (MANE Select); coding-DNA position 987, C replaced by T.
Protein change: p.Val329=; no amino-acid change (valine 329 retained).
Molecular consequence: synonymous variant.
Genome position (GRCh38, 1-based): chr1:57,015,340, G>A on the plus strand (C>T on the coding strand, the complement: DAB1 is on the minus strand). VCF-style: chr1-57015340-G-A. GRCh37 (hg19) VCF-style: chr1-57481013-G-A.
Other names: c.987C>T, p.Val329= (NM_001353983.2, NM_001353985.2, NM_001365793.1 and 2 more transcripts); c.981C>T, p.Val327= (NM_001353986.2, NM_001379461.1).
Identifiers: ClinVar variation 3389723 (VCV003389723.14).